The following is an entry in ClinVar:

ClinVar aggregate classification (germline): Likely pathogenic (1 of 4 stars; one submission).

Conditions:
Autosomal recessive polycystic kidney disease (ARPKD). Also called: AR polycystic kidney disease. Identifiers: Orphanet 731, Orphanet 8378, MedGen C0085548, MeSH D017044, MONDO:0009889.

Submission:

Labcorp Genetics (formerly Invitae), Labcorp
Classification: Likely pathogenic for Autosomal recessive polycystic kidney disease. Last evaluated: 2022-08-15. Review status: criteria provided, single submitter. Criteria: Invitae Variant Classification Sherloc (09022015). Collection method: clinical testing. Allele origin: germline.
Comment: This sequence change replaces leucine, which is neutral and non-polar, with histidine, which is basic and polar, at codon 2988 of the PKHD1 protein (p.Leu2988His). This variant is not present in population databases (gnomAD no frequency). This missense change has been observed in individual(s) with autosomal recessive polycystic kidney disease (Invitae). In at least one individual the data is consistent with being in trans (on the opposite chromosome) from a pathogenic variant. Advanced modeling of protein sequence and biophysical properties (such as structural, functional, and spatial information, amino acid conservation, physicochemical variation, residue mobility, and thermodynamic stability) performed at Invitae indicates that this missense variant is expected to disrupt PKHD1 protein function. In summary, the currently available evidence indicates that the variant is pathogenic, but additional data are needed to prove that conclusively. Therefore, this variant has been classified as Likely Pathogenic.

NM_138694.4(PKHD1):c.8963T>A (p.Leu2988His)

Gene: PKHD1 (PKHD1 ciliary IPT domain containing fibrocystin/polyductin; minus strand). Cytogenetic location: 6p12.3.
Variant type: single nucleotide variant.
Coding change: c.8963T>A on transcript NM_138694.4 (MANE Select); coding-DNA position 8963, T replaced by A.
Protein change: p.Leu2988His; replaces leucine 2988 with histidine.
Molecular consequence: missense variant.
Genome position (GRCh38, 1-based): chr6:51,748,653, A>T on the plus strand (T>A on the coding strand, the complement: PKHD1 is on the minus strand). VCF-style: chr6-51748653-A-T. GRCh37 (hg19) VCF-style: chr6-51613451-A-T.
Other names: c.8963T>A, p.Leu2988His (NM_170724.3); short protein forms L2988H.
Identifiers: ClinVar variation 1926827 (VCV001926827.5), dbSNP rs2533834965, ClinGen allele CA364424463.